The following is an entry in ClinVar:

ClinVar aggregate classification (germline): Uncertain significance (1 of 4 stars; one submission).

Allele frequency attached by ClinVar (database versions not stated): TOPMed below 0.00001; gnomAD 0.00001; gnomAD exomes 0.00001.

Submission:

Labcorp Genetics (formerly Invitae), Labcorp
Classification: Uncertain significance. Last evaluated: 2022-05-27. Review status: criteria provided, single submitter. Criteria: Invitae Variant Classification Sherloc (09022015). Collection method: clinical testing. Allele origin: germline.
Comment: This sequence change replaces arginine, which is basic and polar, with histidine, which is basic and polar, at codon 153 of the CUL3 protein (p.Arg153His). This variant is present in population databases (no rsID available, gnomAD 0.007%). This variant has not been reported in the literature in individuals affected with CUL3-related conditions. Algorithms developed to predict the effect of missense changes on protein structure and function are either unavailable or do not agree on the potential impact of this missense change (SIFT: "Deleterious"; PolyPhen-2: "Benign"; Align-GVGD: "Class C0"). In summary, the available evidence is currently insufficient to determine the role of this variant in disease. Therefore, it has been classified as a Variant of Uncertain Significance.

NM_003590.5(CUL3):c.458G>A (p.Arg153His)

Gene: CUL3 (cullin 3; minus strand). Cytogenetic location: 2q36.2.
Variant type: single nucleotide variant.
Coding change: c.458G>A on transcript NM_003590.5 (MANE Select); coding-DNA position 458, G replaced by A.
Protein change: p.Arg153His; replaces arginine 153 with histidine.
Molecular consequence: missense variant.
Genome position (GRCh38, 1-based): chr2:224,514,693, C>T on the plus strand (G>A on the coding strand, the complement: CUL3 is on the minus strand). VCF-style: chr2-224514693-C-T. GRCh37 (hg19) VCF-style: chr2-225379410-C-T.
Other names: c.260G>A, p.Arg87His (NM_001257197.2); c.476G>A, p.Arg159His (NM_001257198.2); short protein forms R153H, R87H, R159H.
Identifiers: ClinVar variation 2089047 (VCV002089047.4), dbSNP rs972626651, ClinGen allele CA66536137.